The following is an entry in ClinVar:

ClinVar aggregate classification (germline): Benign/Likely benign. Review status: criteria provided, multiple submitters, no conflicts (2 of 4 stars). 5 submissions from 5 submitters: Benign (2); Likely benign (2). 1 of the submissions does not count toward it. Last evaluated 2025-11-17.

Conditions:
EXT2-related disorder. Also called: EXT2-related condition.
Exostoses, multiple, type 2 (EXT2). Also called: EXOSTOSES, MULTIPLE, TYPE II; Hereditary Multiple Osteochondromatosis, Type II. Identifiers: Orphanet 321, MedGen C1851413, MONDO:0007586, OMIM 133701.

Allele frequency attached by ClinVar (database versions not stated): ESP Exome Variant Server 0.00023; TOPMed 0.00031; gnomAD 0.00035 and 0.00036.
gnomAD v4.1: 639 of 1,613,842 alleles (0.04%); highest among the groups gnomAD compares: Non-Finnish European, 0.049%; no homozygotes.

Submissions (5):

Labcorp Genetics (formerly Invitae), Labcorp
Classification: Likely benign for Exostoses, multiple, type 2. Last evaluated: 2025-11-17. Review status: criteria provided, single submitter. Criteria: Invitae Variant Classification Sherloc (09022015). Collection method: clinical testing. Allele origin: germline.

KCCC/NGS Laboratory, Kuwait Cancer Control Center
Classification: Benign for Exostoses, multiple, type 2. Last evaluated: 2025-02-01. Review status: criteria provided, single submitter. Criteria: ACMG Guidelines, 2015. Collection method: clinical testing. Allele origin: germline. Affected: no.

Blueprint Genetics
Classification: Likely benign. Last evaluated: 2024-07-10. Review status: criteria provided, single submitter. Criteria: ACMG Guidelines, 2015. Collection method: clinical testing. Allele origin: germline.

Illumina Laboratory Services, Illumina
Classification: Benign for Exostoses, multiple, type 2. Last evaluated: 2018-01-13. Review status: criteria provided, single submitter. Criteria: ICSL Variant Classification Criteria 13 December 2019. Collection method: clinical testing. Allele origin: germline.
Comment: This variant was observed in the ICSL laboratory as part of a predisposition screen in an ostensibly healthy population. It had not been previously curated by ICSL or reported in the Human Gene Mutation Database (HGMD: prior to June 1st, 2018), and was therefore a candidate for classification through an automated scoring system. Utilizing variant allele frequency, disease prevalence and penetrance estimates, and inheritance mode, an automated score was calculated to assess if this variant is too frequent to cause the disease. Based on the score and internal cut-off values, a variant classified as benign is not then subjected to further curation. The score for this variant resulted in a classification of benign for this disease.

PreventionGenetics, part of Exact Sciences
Classification: Likely benign for EXT2-related condition. Last evaluated: 2022-05-20. Review status: no assertion criteria provided. Collection method: clinical testing. Allele origin: germline. Not counted in ClinVar's aggregate classification.
Comment: This variant is classified as likely benign based on ACMG/AMP sequence variant interpretation guidelines (Richards et al. 2015 PMID: 25741868, with internal and published modifications).

NM_207122.2(EXT2):c.744-10T>G

Gene: EXT2 (exostosin glycosyltransferase 2; plus strand). Cytogenetic location: 11p11.2.
Variant type: single nucleotide variant.
Coding change: c.744-10T>G on transcript NM_207122.2 (MANE Select); 10 bases into the intron before coding-DNA position 744, T replaced by G.
Molecular consequence: intron variant.
Genome position (GRCh38, 1-based): chr11:44,124,779, T>G. VCF-style: chr11-44124779-T-G. GRCh37 (hg19) VCF-style: chr11-44146329-T-G.
Other names: c.744-10T>G (NM_001389630.1, NM_001178083.3, NM_001389628.1); c.843-10T>G (NM_000401.3).
Identifiers: ClinVar variation 304578 (VCV000304578.19), dbSNP rs200943294, ClinGen allele CA5954997.
Genomic context (GRCh38, chr11:44,124,779, plus strand): 5'-TCAAAGTTTGTCTTACCTTGACTAACATACCAGCTGCAATTTTCCAATCACCTGTTTTTT[T>G]CCCTTGTAGTCCACGGCAATACTTCCTCCTGTCATCTCAGGTGGGTCTCCATCCTGAGTA-3'